The following is an entry in ClinVar:

NM_016239.4(MYO15A):c.4038+8GT[24]

Gene: MYO15A (myosin XVA; plus strand). Cytogenetic location: 17p11.2.
Variant type: Microsatellite.
Coding change: c.4038+8GT[24] on transcript NM_016239.4 (MANE Select); 24 copies in a row of the 2-base unit GT starting at c.4038+8; the reference has 27 copies in a row; three copies, 6 bases deleted.
Molecular consequence: intron variant.
Genome position (GRCh38, 1-based): chr17:18,130,866-18,130,871, GTGTGT deleted; deleting any 6 consecutive bases within chr17:18,130,818-18,130,871 gives the same sequence; the position shown is the placement nearest the transcript's 3' end. VCF-style (leftmost placement, unchanged base first): chr17-18130817-AGTGTGT-A. GRCh37 (hg19) VCF-style: chr17-18034131-AGTGTGT-A.
Other names: p.?; c.4038+56_4038+61del (NM_016239.4).
Identifiers: ClinVar variation 771205 (VCV000771205.9), dbSNP rs59214589, ClinGen allele CA726661827.

ClinVar aggregate classification (germline): Benign/Likely benign. Review status: criteria provided, multiple submitters, no conflicts (2 of 4 stars). 3 submissions from 3 submitters: Benign (1); Likely benign (2). Last evaluated 2025-09-11.

Submissions (3):

Mayo Clinic Laboratories, Mayo Clinic
Classification: Likely benign. Last evaluated: 2025-09-11. Review status: criteria provided, single submitter. Criteria: ACMG Guidelines, 2015. Collection method: clinical testing. Allele origin: germline. Observed: 2 variant alleles.
Comment: BP4, BP7

Labcorp Genetics (formerly Invitae), Labcorp
Classification: Benign. Last evaluated: 2025-07-27. Review status: criteria provided, single submitter. Criteria: Invitae Variant Classification Sherloc (09022015). Collection method: clinical testing. Allele origin: germline.

Blueprint Genetics
Classification: Likely benign. Last evaluated: 2024-11-28. Review status: criteria provided, single submitter. Criteria: ACMG Guidelines, 2015. Collection method: clinical testing. Allele origin: germline.